The following is an entry in ClinVar:

NM_024577.4(SH3TC2):c.2995A>G (p.Met999Val)

Gene: SH3TC2 (SH3 domain and tetratricopeptide repeats 2; minus strand). Cytogenetic location: 5q32.
Variant type: single nucleotide variant.
Coding change: c.2995A>G on transcript NM_024577.4 (MANE Select); coding-DNA position 2995, A replaced by G.
Protein change: p.Met999Val; replaces methionine 999 with valine.
Molecular consequence: missense variant.
Genome position (GRCh38, 1-based): chr5:149,026,630, T>C on the plus strand (A>G on the coding strand, the complement: SH3TC2 is on the minus strand). VCF-style: chr5-149026630-T-C. GRCh37 (hg19) VCF-style: chr5-148406193-T-C.
Other names: short protein forms M999V.
Identifiers: ClinVar variation 1937489 (VCV001937489.5), dbSNP rs2531770464, ClinGen allele CA361665162.

ClinVar aggregate classification (germline): Uncertain significance (1 of 4 stars; one submission).

Conditions:
Charcot-Marie-Tooth disease type 4. Also called: Charcot-Marie-Tooth disease, type IV; Charcot-Marie-Tooth, Type 4. Identifiers: Orphanet 64749, MedGen C4082197, MONDO:0018995.

Allele frequency attached by ClinVar (database versions not stated): gnomAD exomes 0.00001.
gnomAD v4.1: 9 of 1,614,146 alleles (0.00056%); highest among the groups gnomAD compares: Non-Finnish European, 0.00076%; no homozygotes.

Submission:

Labcorp Genetics (formerly Invitae), Labcorp
Classification: Uncertain significance for Charcot-Marie-Tooth disease type 4. Last evaluated: 2022-07-17. Review status: criteria provided, single submitter. Criteria: Invitae Variant Classification Sherloc (09022015). Collection method: clinical testing. Allele origin: germline.
Comment: This sequence change replaces methionine, which is neutral and non-polar, with valine, which is neutral and non-polar, at codon 999 of the SH3TC2 protein (p.Met999Val). This variant is not present in population databases (gnomAD no frequency). This variant has not been reported in the literature in individuals affected with SH3TC2-related conditions. Advanced modeling of protein sequence and biophysical properties (such as structural, functional, and spatial information, amino acid conservation, physicochemical variation, residue mobility, and thermodynamic stability) performed at Invitae indicates that this missense variant is not expected to disrupt SH3TC2 protein function. In summary, the available evidence is currently insufficient to determine the role of this variant in disease. Therefore, it has been classified as a Variant of Uncertain Significance.